The following is an entry in ClinVar:

NM_004408.4(DNM1):c.919A>G (p.Ile307Val)

Gene: DNM1 (dynamin 1; plus strand). Cytogenetic location: 9q34.11.
Variant type: single nucleotide variant.
Coding change: c.919A>G on transcript NM_004408.4 (MANE Select); coding-DNA position 919, A replaced by G.
Protein change: p.Ile307Val; replaces isoleucine 307 with valine.
Molecular consequence: missense variant.
Genome position (GRCh38, 1-based): chr9:128,222,266, A>G. VCF-style: chr9-128222266-A-G. GRCh37 (hg19) VCF-style: chr9-130984545-A-G.
Other names: c.919A>G, p.Ile307Val (NM_001005336.3, NM_001288737.2, NM_001288738.2 and 2 more transcripts); short protein forms I307V.
Identifiers: ClinVar variation 1766136 (VCV001766136.2), dbSNP rs2538996350, ClinGen allele CA375015141.
Genomic context (GRCh38, chr9:128,222,266, plus strand): 5'-AACCACATCCGGGACACACTGCCGGGGCTGCGGAACAAGCTGCAGAGCCAGCTACTGTCC[A>G]TTGAGAAGGAGGTGGAGGAATACAAGAACTTCCGCCCTGATGACCCAGCTCGCAAGACCA-3'
Protein context (NP_004399.2, residues 297-317): RNKLQSQLLS[Ile307Val]EKEVEEYKNF

ClinVar aggregate classification (germline): Uncertain significance (1 of 4 stars; one submission).

Conditions:
Inborn genetic diseases. Identifiers: MedGen C0950123, MeSH D030342.

Submission:

Ambry Genetics
Classification: Uncertain significance for Inborn genetic diseases. Last evaluated: 2018-11-28. Review status: criteria provided, single submitter. Criteria: Ambry Variant Classification Scheme 2023. Collection method: clinical testing. Allele origin: germline.
Comment: The p.I307V variant (also known as c.919A>G), located in coding exon 7 of the DNM1 gene, results from an A to G substitution at nucleotide position 919. The isoleucine at codon 307 is replaced by valine, an amino acid with highly similar properties. This amino acid position is highly conserved in available vertebrate species. In addition, this alteration is predicted to be tolerated by in silico analysis. Since supporting evidence is limited at this time, the clinical significance of this alteration remains unclear.